The following is an entry in ClinVar:

ClinVar aggregate classification (germline): Likely benign (1 of 4 stars; one submission).

Allele frequency attached by ClinVar (database versions not stated): ExAC below 0.00001; gnomAD 0.00002; gnomAD exomes 0.00002 and 0.00004; TOPMed 0.00002; ESP Exome Variant Server 0.00008.
gnomAD v4.1: 61 of 1,554,530 alleles (0.0039%); highest among the groups gnomAD compares: Non-Finnish European, 0.0052%; no homozygotes.

Submission:

GeneDx
Classification: Likely benign. Last evaluated: 2017-09-22. Review status: criteria provided, single submitter. Criteria: GeneDx Variant Classification (06012015). Collection method: clinical testing. Allele origin: germline. Affected: yes.
Comment: This variant is considered likely benign or benign based on one or more of the following criteria: it is a conservative change, it occurs at a poorly conserved position in the protein, it is predicted to be benign by multiple in silico algorithms, and/or has population frequency not consistent with disease.

NM_001148.6(ANK2):c.1387-18A>G

Gene: ANK2 (ankyrin 2; plus strand). Cytogenetic location: 4q26.
Variant type: single nucleotide variant.
Coding change: c.1387-18A>G on transcript NM_001148.6 (MANE Select); 18 bases into the intron before coding-DNA position 1387, A replaced by G.
Molecular consequence: intron variant.
Genome position (GRCh38, 1-based): chr4:113,264,879, A>G. VCF-style: chr4-113264879-A-G. GRCh37 (hg19) VCF-style: chr4-114186035-A-G.
Other names: c.1375-18A>G (NM_001386186.2, NM_001386148.2); c.1177-18A>G (NM_001354269.3); c.1351-18A>G (NM_001386187.2); c.1345-18A>G (NM_001386147.1, NM_001386160.1, NM_001354261.2); c.1324-18A>G (NM_001354254.2, NM_001354239.2, NM_001354252.2 and 14 more transcripts); c.1300-18A>G (NM_001354249.2, NM_001354266.2, NM_001354276.2 and 13 more transcripts); c.1102-18A>G (NM_001386157.1, NM_001354277.2, NM_001386158.1); c.1432-18A>G (NM_001354241.2, NM_001386152.1, NM_001354237.2 and 5 more transcripts); and 4 more.
Identifiers: ClinVar variation 384444 (VCV000384444.1), dbSNP rs372142599, ClinGen allele CA3050287.